The following is an entry in ClinVar:

NM_001199138.2(NLRC4):c.2828A>T (p.Asn943Ile)

Gene: NLRC4 (NLR family CARD domain containing 4; minus strand). Cytogenetic location: 2p22.3.
Variant type: single nucleotide variant.
Coding change: c.2828A>T on transcript NM_001199138.2 (MANE Select); coding-DNA position 2828, A replaced by T.
Protein change: p.Asn943Ile; replaces asparagine 943 with isoleucine.
Molecular consequence: missense variant.
Genome position (GRCh38, 1-based): chr2:32,224,720, T>A on the plus strand (A>T on the coding strand, the complement: NLRC4 is on the minus strand). VCF-style: chr2-32224720-T-A. GRCh37 (hg19) VCF-style: chr2-32449789-T-A.
Other names: c.2828A>T, p.Asn943Ile (NM_001199139.2, NM_021209.5); c.833A>T, p.Asn278Ile (NM_001302504.2); short protein forms N278I, N943I.
Identifiers: ClinVar variation 1694376 (VCV001694376.7), dbSNP rs2148927574, ClinGen allele CA346519527.

ClinVar aggregate classification (germline): Uncertain significance. Review status: criteria provided, multiple submitters, no conflicts (2 of 4 stars). 4 submissions from 3 submitters: Uncertain significance (4). Last evaluated 2025-01-23.

Conditions:
Periodic fever-infantile enterocolitis-autoinflammatory syndrome. Also called: Autoinflammation with infantile enterocolitis. Identifiers: Orphanet 436166, MedGen C4015067, MONDO:0014472, OMIM 616050.
Familial cold autoinflammatory syndrome 4 (FCAS4). Identifiers: Orphanet 47045, Orphanet 576349, MedGen C4015276, MONDO:0014498, OMIM 616115.
Autoinflammatory syndrome. Identifiers: Orphanet 93665, MedGen C3890737, MONDO:0019751.

gnomAD v4.1: 4 of 1,600,228 alleles (0.00025%); highest among the groups gnomAD compares: Middle Eastern, 0.05%; no homozygotes.

Submissions (4):

Labcorp Genetics (formerly Invitae), Labcorp
Classification: Uncertain significance for Periodic fever-infantile enterocolitis-autoinflammatory syndrome; Familial cold autoinflammatory syndrome 4. Last evaluated: 2025-01-23. Review status: criteria provided, single submitter. Criteria: Invitae Variant Classification Sherloc (09022015). Collection method: clinical testing. Allele origin: germline.
Comment: This sequence change replaces asparagine, which is neutral and polar, with isoleucine, which is neutral and non-polar, at codon 943 of the NLRC4 protein (p.Asn943Ile). This variant is not present in population databases (gnomAD no frequency). This variant has not been reported in the literature in individuals affected with NLRC4-related conditions. ClinVar contains an entry for this variant (Variation ID: 1694376). Invitae Evidence Modeling of protein sequence and biophysical properties (such as structural, functional, and spatial information, amino acid conservation, physicochemical variation, residue mobility, and thermodynamic stability) indicates that this missense variant is not expected to disrupt NLRC4 protein function with a negative predictive value of 80%. In summary, the available evidence is currently insufficient to determine the role of this variant in disease. Therefore, it has been classified as a Variant of Uncertain Significance.

Neuberg Centre For Genomic Medicine, NCGM
Classification: Uncertain significance for Periodic fever-infantile enterocolitis-autoinflammatory syndrome. Last evaluated: 2023-02-14. Review status: criteria provided, single submitter. Criteria: ACMG Guidelines, 2015. Collection method: clinical testing. Allele origin: germline. Inheritance: Autosomal dominant inheritance. Affected: yes.
Comment: The missense c.2828A>T(p.Asn943Ile) variant in NLRC4 gene has not been reported previously as a pathogenic variant nor a benign variant, to our knowledge. The p.Asn943Ile variant is novel (not in any individuals) in both gnomAD Exomes and 1000 Genomes databases. This variant has been reported to the ClinVar database as Uncertain Significance. The amino acid change p.Asn943Ile in NLRC4 is predicted as conserved by GERP++ and PhyloP across 100 vertebrates. The amino acid Asn at position 943 is changed to a Ile changing protein sequence and it might alter its composition and physico-chemical properties. For these reasons, this variant has been classified as a Variant of Uncertain Significance (VUS).

Genome Diagnostics Laboratory, The Hospital for Sick Children
Classification: Uncertain significance for Autoinflammatory syndrome. Last evaluated: 2021-12-23. Review status: criteria provided, single submitter. Criteria: ACMG Guidelines, 2015. Collection method: clinical testing. Allele origin: germline. Affected: yes.

Neuberg Centre For Genomic Medicine, NCGM
Classification: Uncertain significance for Familial cold autoinflammatory syndrome 4. Review status: criteria provided, single submitter. Criteria: ACMG Guidelines, 2015. Collection method: clinical testing. Allele origin: germline. Inheritance: Autosomal dominant inheritance. Affected: yes.
Comment: The observed missense variant c.2828A>Tp.Asn943Ile in NLRC4 gene has not been reported previously as a pathogenic variant nor as a benign variant, to our knowledge. The p.Asn943Ile variant is absent in gnomAD Exomes. This variant has been reported to the ClinVar database as Uncertain Significance. However, no details are available for independent assessment. The amino acid Asn at position 943 is changed to a Ile changing protein sequence and it might alter its composition and physico-chemical properties. Computational evidence Polyphen-Benign and SIFT-damaging predicts conflicting evidence on protein structure and function for this variant.The reference amino acid p.Asn943Ile in NLRC4 is predicted as conserved by GERP++ and PhyloP across 100 vertebrates. For these reasons, this variant has been classified as Uncertain Significance.